The following is an entry in ClinVar:

NM_001177316.2(SLC34A3):c.1107G>A (p.Pro369=)

Gene: SLC34A3 (solute carrier family 34 member 3; plus strand). Cytogenetic location: 9q34.3.
Variant type: single nucleotide variant.
Coding change: c.1107G>A on transcript NM_001177316.2 (MANE Select); coding-DNA position 1107, G replaced by A.
Protein change: p.Pro369=; no amino-acid change (proline 369 retained).
Molecular consequence: synonymous variant.
Genome position (GRCh38, 1-based): chr9:137,234,429, G>A. VCF-style: chr9-137234429-G-A. GRCh37 (hg19) VCF-style: chr9-140128881-G-A.
Other names: c.1107G>A, p.Pro369= (NM_001177317.2, NM_080877.3); c.1107G>A (NM_080877.2).
Identifiers: ClinVar variation 2181419 (VCV002181419.6), dbSNP rs550877277, ClinGen allele CA5364801.
Genomic context (GRCh38, chr9:137,234,429, plus strand): 5'-GCCCTCCTTGTGGGCGCTGGCCAGGGCTGACCCGGCATCCCCCACAGACTTCCCCTTCCC[G>A]CTGGGCTGGCTCGGCGGCTACCTGGCCGTCCTCGCGGGCGCCGGCCTGACCTTCGCACTG-3'
Protein context (NP_001170787.2, residues 359-379): RTVINADFPF[Pro369=]LGWLGGYLAV

ClinVar aggregate classification (germline): Benign. Review status: criteria provided, single submitter (1 of 4 stars). 2 submissions from 2 submitters: Benign (1). 1 of the submissions does not count toward it. Last evaluated 2025-01-15.

Conditions:
SLC34A3-related disorder. Also called: SLC34A3-related condition.

Allele frequency attached by ClinVar (database versions not stated): TOPMed 0.00004; gnomAD 0.00009; ExAC 0.00027; 1000 Genomes Project 0.00060; 1000 Genomes Project 30x 0.00062.
gnomAD v4.1: 162 of 1,598,724 alleles (0.01%); highest among the groups gnomAD compares: South Asian, 0.14%; no homozygotes.

Submissions (2):

Labcorp Genetics (formerly Invitae), Labcorp
Classification: Benign. Last evaluated: 2025-01-15. Review status: criteria provided, single submitter. Criteria: Invitae Variant Classification Sherloc (09022015). Collection method: clinical testing. Allele origin: germline.

PreventionGenetics, part of Exact Sciences
Classification: Likely benign for SLC34A3-related condition. Last evaluated: 2019-04-05. Review status: no assertion criteria provided. Collection method: clinical testing. Allele origin: germline. Not counted in ClinVar's aggregate classification.
Comment: This variant is classified as likely benign based on ACMG/AMP sequence variant interpretation guidelines (Richards et al. 2015 PMID: 25741868, with internal and published modifications).